The following is an entry in ClinVar:

ClinVar aggregate classification (germline): Pathogenic (1 of 4 stars; one submission).

Conditions:
3-methylcrotonyl-CoA carboxylase 1 deficiency (MCC1D). Also called: MCCD TYPE 1; METHYLCROTONYLGLYCINURIA TYPE I; MCC 1 deficiency; 3 Alpha methylcrotonylglycinuria 1. Identifiers: Orphanet 6, MedGen CN028786, MONDO:0008861, OMIM 210200.

Submission:

Labcorp Genetics (formerly Invitae), Labcorp
Classification: Pathogenic for 3 Methylcrotonyl-CoA carboxylase 1 deficiency. Last evaluated: 2019-12-17. Review status: criteria provided, single submitter. Criteria: Invitae Variant Classification Sherloc (09022015). Collection method: clinical testing. Allele origin: germline.
Comment: This variant is an out-of-frame deletion of the genomic region encompassing exons 3 of the MCCC1 gene. This is expected to create a premature translational stop signal and result in an absent or disrupted protein product. This variant has not been reported in the literature in individuals with MCCC1-related conditions. Loss-of-function variants in MCCC1 are known to be pathogenic (PMID: 11181649, 15359379, 22642865). For these reasons, this variant has been classified as Pathogenic.

NC_000003.12:g.(?_183092389)_(183092565_?)del

Gene: MCCC1 (methylcrotonyl-CoA carboxylase subunit 1; minus strand). Cytogenetic location: 3q27.1.
Variant type: Deletion.
Identifiers: ClinVar variation 832920 (VCV000832920.1).